The following is an entry in ClinVar:

ClinVar aggregate classification (germline): Uncertain significance. Review status: criteria provided, multiple submitters, no conflicts (2 of 4 stars). 2 submissions from 2 submitters: Uncertain significance (2). Last evaluated 2025-01-23.

Conditions:
Autosomal dominant Alport syndrome (ATS3A). Also called: Alport syndrome dominant type; Renal failure and sensorineural hearing loss; ALPORT SYNDROME 3A, AUTOSOMAL DOMINANT. Identifiers: Orphanet 63, Orphanet 88918, MedGen C5882663, MONDO:0007086, OMIM 104200.
Hematuria, benign familial, 2 (BFH2). Identifiers: MedGen C5830421, MONDO:0958186, OMIM 620320.
Alport syndrome 3b, autosomal recessive. Identifiers: MedGen C5882699, MONDO:0957811, OMIM 620536.

Submissions (2):

MVZ Medizinische Genetik Mainz
Classification: Uncertain significance for Autosomal dominant Alport syndrome. Last evaluated: 2025-01-23. Review status: criteria provided, single submitter. Criteria: UK Practice Guidelines For Variant Classification V4 01 2020. Collection method: clinical testing. Allele origin: germline. Inheritance: Autosomal dominant inheritance. Affected: yes. Observed: 1 variant allele.
Comment: ACMG Criteria: PM2_SUP,PP3,PP4

Fulgent Genetics
Classification: Uncertain significance for Autosomal dominant Alport syndrome; Hematuria, benign familial, 2; Alport syndrome 3b, autosomal recessive. Last evaluated: 2024-03-26. Review status: criteria provided, single submitter. Criteria: ACMG Guidelines, 2015. Collection method: clinical testing. Allele origin: germline.

NM_000091.5(COL4A3):c.1029+4del

Genes: MFF-DT (MFF divergent transcript; minus strand), COL4A3 (collagen type IV alpha 3 chain; plus strand). Cytogenetic location: 2q36.3.
Variant type: Deletion.
Coding change: c.1029+4del on transcript NM_000091.5 (MANE Select); 4 bases into the intron after coding-DNA position 1029, one base deleted (A; older notation c.1029+4delA).
Molecular consequence: intron variant.
Genome position (GRCh38, 1-based): chr2:227,257,648, A deleted; the last of 2 consecutive A bases (chr2:227,257,647-227,257,648); deleting either gives the same sequence. VCF-style (leftmost placement, unchanged base first): chr2-227257646-TA-T. GRCh37 (hg19) VCF-style: chr2-228122362-TA-T.
Identifiers: ClinVar variation 3586008 (VCV003586008.2).